The following is an entry in ClinVar:

ClinVar aggregate classification (germline): Pathogenic (1 of 4 stars; one submission).

Submission:

Labcorp Genetics (formerly Invitae), Labcorp
Classification: Pathogenic. Last evaluated: 2022-02-24. Review status: criteria provided, single submitter. Criteria: Invitae Variant Classification Sherloc (09022015). Collection method: clinical testing. Allele origin: germline.
Comment: This variant is a gross deletion of the genomic region encompassing exon(s) 9-10 of the DNAAF4 gene, which includes the termination codon. This deletion extends beyond the assayed region for this gene and therefore may encompass additional genes. While this deletion is not anticipated to lead to nonsense mediated decay, it is expected to alter mRNA translation or result in a truncated protein product. A similar copy number variant has been observed in individual(s) with primary ciliary dyskinesia (Invitae). For these reasons, this variant has been classified as Pathogenic.

NC_000015.9:g.(?_55722868)_(55724820_?)del

Gene: DNAAF4 (dynein axonemal assembly factor 4; minus strand). Cytogenetic location: 15q21.3.
Variant type: Deletion.
Identifiers: ClinVar variation 2427200 (VCV002427200.3).